The following is an entry in ClinVar:

NM_000051.4(ATM):c.8438_8449del (p.Phe2813_Lys2816del)

Genes: ATM (ATM serine/threonine kinase; plus strand), C11orf65 (chromosome 11 open reading frame 65; minus strand). Cytogenetic location: 11q22.3.
Variant type: Deletion.
Coding change: c.8438_8449del on transcript NM_000051.4 (MANE Select); coding-DNA positions 8438 to 8449, 12 bases deleted (TTGAAGAGAAAT).
Protein change: p.Phe2813_Lys2816del.
Molecular consequence: inframe deletion. On other transcripts: intron variant (2).
Genome position (GRCh38, 1-based): chr11:108,345,762-108,345,773, TTGAAGAGAAAT deleted; deleting any 12 consecutive bases within chr11:108,345,761-108,345,773 gives the same sequence; the c. name uses the placement nearest the transcript's 3' end. VCF-style (leftmost placement, unchanged base first): chr11-108345760-TTTTGAAGAGAAA-T. GRCh37 (hg19) VCF-style: chr11-108216487-TTTTGAAGAGAAA-T.
Other names: c.8438_8449del, p.Phe2813_Lys2816del (NM_001351834.2); c.641-36701_641-36690del (NM_001330368.2); c.695-10480_695-10469del (NM_001351110.2).
Identifiers: ClinVar variation 1487465 (VCV001487465.9), dbSNP rs2137025439, ClinGen allele CA2573146776.

ClinVar aggregate classification (germline): Uncertain significance (1 of 4 stars; one submission).

Conditions:
Ataxia-telangiectasia syndrome (AT). Also called: LOUIS-BAR SYNDROME; Cerebello-oculocutaneous telangiectasia; Immunodeficiency with ataxia telangiectasia; Ataxia telangiectasia (A-T); Ataxia-telangiectasia, complementation group D; AT, COMPLEMENTATION GROUP C. Identifiers: Orphanet 100, MedGen C0004135, MONDO:0008840, OMIM 208900.

Submission:

Labcorp Genetics (formerly Invitae), Labcorp
Classification: Uncertain significance for Ataxia-telangiectasia syndrome. Last evaluated: 2021-03-13. Review status: criteria provided, single submitter. Criteria: Invitae Variant Classification Sherloc (09022015). Collection method: clinical testing. Allele origin: germline.
Comment: This variant, c.8438_8449del, results in the deletion of 4 amino acid(s) of the ATM protein (p.Phe2813_Lys2816del), but otherwise preserves the integrity of the reading frame. This variant is not present in population databases (ExAC no frequency). In summary, the available evidence is currently insufficient to determine the role of this variant in disease. Therefore, it has been classified as a Variant of Uncertain Significance. Experimental studies and prediction algorithms are not available or were not evaluated, and the functional significance of this variant is currently unknown. This variant has not been reported in the literature in individuals with ATM-related conditions.